The following is an entry in ClinVar:

ClinVar aggregate classification (germline): Pathogenic (1 of 4 stars; one submission).

Allele frequency attached by ClinVar (database versions not stated): gnomAD exomes below 0.00001 and 0.00001; TOPMed 0.00002.

Submission:

Labcorp Genetics (formerly Invitae), Labcorp
Classification: Pathogenic. Last evaluated: 2024-11-05. Review status: criteria provided, single submitter. Criteria: Invitae Variant Classification Sherloc (09022015). Collection method: clinical testing. Allele origin: germline.
Comment: This sequence change creates a premature translational stop signal (p.Pro417Argfs*33) in the AGBL5 gene. It is expected to result in an absent or disrupted protein product. Loss-of-function variants in AGBL5 are known to be pathogenic (PMID: 27764769, 27842159). This variant is present in population databases (no rsID available, gnomAD 0.003%). This variant has not been reported in the literature in individuals affected with AGBL5-related conditions. ClinVar contains an entry for this variant (Variation ID: 1070126). For these reasons, this variant has been classified as Pathogenic.

Literature cited by the submitters: PubMed 27764769; PubMed 27842159.

NM_021831.6(AGBL5):c.1250_1251del (p.Pro417fs)

Gene: AGBL5 (AGBL carboxypeptidase 5; plus strand). Cytogenetic location: 2p23.3.
Variant type: Deletion.
Coding change: c.1250_1251del on transcript NM_021831.6 (MANE Select); coding-DNA positions 1250 to 1251, 2 bases deleted (CT; older notation c.1250_1251delCT).
Protein change: p.Pro417fs; shifts the reading frame from proline 417.
Molecular consequence: frameshift variant. On other transcripts: non-coding transcript variant (2).
Genome position (GRCh38, 1-based): chr2:27,056,023-27,056,024, CT deleted. VCF-style (leftmost placement, unchanged base first): chr2-27056022-CCT-C. GRCh37 (hg19) VCF-style: chr2-27278890-CCT-C.
Other names: c.1250_1251del, p.Pro417fs (NM_001035507.3); short protein forms P417fs.
Identifiers: ClinVar variation 1070126 (VCV001070126.7), dbSNP rs1433176317, ClinGen allele CA531422260.
Genomic context (GRCh38, chr2:27,056,022, plus strand): 5'-CAGAAGCTCAACAGTGTGTGGATTATGCCACAACAGTCTGCGGGGCTTGAAGAGTCAGCC[CCT>C]GATACCATCCCCCCCAAAGAGAGTGGCGTTGCTTACTATGTGGACCTGCATGGACATGCT-3'